The following is an entry in ClinVar:

ClinVar aggregate classification (germline): Uncertain significance (1 of 4 stars; one submission).

Conditions:
Brugada syndrome 4 (BRGDA4). Identifiers: Orphanet 130, MedGen C2678477, MONDO:0012743, OMIM 611876.

gnomAD v4.1: 1 of 1,613,778 alleles (0.000062%); highest among the groups gnomAD compares: Non-Finnish European, 0.000085%; no homozygotes.

Submission:

Labcorp Genetics (formerly Invitae), Labcorp
Classification: Uncertain significance for Brugada syndrome 4. Last evaluated: 2025-12-13. Review status: criteria provided, single submitter. Criteria: Invitae Variant Classification Sherloc (09022015). Collection method: clinical testing. Allele origin: germline.
Comment: This sequence change replaces arginine, which is basic and polar, with proline, which is neutral and non-polar, at codon 457 of the CACNB2 protein (p.Arg457Pro). This variant is not present in population databases (gnomAD no frequency). This variant has not been reported in the literature in individuals affected with CACNB2-related conditions. Invitae Evidence Modeling of protein sequence and biophysical properties (such as structural, functional, and spatial information, amino acid conservation, physicochemical variation, residue mobility, and thermodynamic stability) indicates that this missense variant is not expected to disrupt CACNB2 protein function with a negative predictive value of 80%. In summary, the available evidence is currently insufficient to determine the role of this variant in disease. Therefore, it has been classified as a Variant of Uncertain Significance.

NM_201596.3(CACNB2):c.1532G>C (p.Arg511Pro)

Gene: CACNB2 (calcium voltage-gated channel auxiliary subunit beta 2; plus strand). Cytogenetic location: 10p12.31.
Variant type: single nucleotide variant.
Coding change: c.1532G>C on transcript NM_201596.3 (MANE Select); coding-DNA position 1532, G replaced by C.
Protein change: p.Arg511Pro; replaces arginine 511 with proline.
Molecular consequence: missense variant.
Genome position (GRCh38, 1-based): chr10:18,539,273, G>C. VCF-style: chr10-18539273-G-C. GRCh37 (hg19) VCF-style: chr10-18828202-G-C.
Other names: c.1367G>C, p.Arg456Pro (NM_000724.4); c.1334G>C, p.Arg445Pro (NM_001167945.2); c.1253G>C, p.Arg418Pro (NM_001330060.2); c.1274G>C, p.Arg425Pro (NM_001410882.1); c.1388G>C, p.Arg463Pro (NM_201570.3); c.1448G>C, p.Arg483Pro (NM_201571.4); c.1376G>C, p.Arg459Pro (NM_201572.4); c.1370G>C, p.Arg457Pro (NM_201590.3); and 2 more; short protein forms R418P, R425P, R445P, R456P, R457P, R459P, R463P, R473P.
Identifiers: ClinVar variation 4806042 (VCV004806042.1).